The following is an entry in ClinVar:

ClinVar aggregate classification (germline): Uncertain significance. Review status: criteria provided, multiple submitters, no conflicts (2 of 4 stars). 2 submissions from 2 submitters: Uncertain significance (2). Last evaluated 2024-03-21.

Conditions:
PHGDH deficiency. Identifiers: Orphanet 79351, MedGen C1866174, MONDO:0011152, OMIM 601815.

Allele frequency attached by ClinVar (database versions not stated): gnomAD 0.00006; gnomAD exomes 0.00006; ExAC 0.00007; TOPMed 0.00008; 1000 Genomes Project 30x 0.00016; 1000 Genomes Project 0.00020.
gnomAD v4.1: 110 of 1,613,772 alleles (0.0068%); highest among the groups gnomAD compares: South Asian, 0.016%; no homozygotes.

Submissions (2):

GeneDx
Classification: Uncertain significance. Last evaluated: 2024-03-21. Review status: criteria provided, single submitter. Criteria: GeneDx Variant Classification Process June 2021. Collection method: clinical testing. Allele origin: germline. Affected: yes.
Comment: In silico analysis supports that this missense variant has a deleterious effect on protein structure/function; Has not been previously published as pathogenic or benign to our knowledge; This variant is associated with the following publications: (PMID: 33574475)

Labcorp Genetics (formerly Invitae), Labcorp
Classification: Uncertain significance for PHGDH deficiency. Last evaluated: 2022-08-23. Review status: criteria provided, single submitter. Criteria: Invitae Variant Classification Sherloc (09022015). Collection method: clinical testing. Allele origin: germline.
Comment: This sequence change replaces alanine, which is neutral and non-polar, with threonine, which is neutral and polar, at codon 107 of the PHGDH protein (p.Ala107Thr). This variant is present in population databases (rs199809714, gnomAD 0.1%). This variant has not been reported in the literature in individuals affected with PHGDH-related conditions. Algorithms developed to predict the effect of missense changes on protein structure and function are either unavailable or do not agree on the potential impact of this missense change (SIFT: "Deleterious"; PolyPhen-2: "Probably Damaging"; Align-GVGD: "Class C0"). In summary, the available evidence is currently insufficient to determine the role of this variant in disease. Therefore, it has been classified as a Variant of Uncertain Significance.

NM_006623.4(PHGDH):c.319G>A (p.Ala107Thr)

Gene: PHGDH (phosphoglycerate dehydrogenase; plus strand). Cytogenetic location: 1p12.
Variant type: single nucleotide variant.
Coding change: c.319G>A on transcript NM_006623.4 (MANE Select); coding-DNA position 319, G replaced by A.
Protein change: p.Ala107Thr; replaces alanine 107 with threonine.
Molecular consequence: missense variant.
Genome position (GRCh38, 1-based): chr1:119,723,404, G>A. VCF-style: chr1-119723404-G-A. GRCh37 (hg19) VCF-style: chr1-120266027-G-A.
Other names: c.319G>A (NM_006623.3); short protein forms A107T.
Identifiers: ClinVar variation 2083394 (VCV002083394.2), dbSNP rs199809714, ClinGen allele CA1037021.
Genomic context (GRCh38, chr1:119,723,404, plus strand): 5'-CCATTGATGTCCCCCTTTTCTTTGATCTTTAGCACCCCCAATGGGAACAGCCTCAGTGCC[G>A]CAGAACTCACTTGTGGAATGATCATGTGCCTGGCCAGGTAAGTCCCTGACTTCTCAGCAA-3'
Protein context (NP_006614.2, residues 97-117): NTPNGNSLSA[Ala107Thr]ELTCGMIMCL